The following is an entry in ClinVar:

ClinVar aggregate classification (germline): Pathogenic/Likely pathogenic. Review status: criteria provided, multiple submitters, no conflicts (2 of 4 stars). 3 submissions from 3 submitters: Pathogenic (1); Likely pathogenic (1). 1 of the submissions does not count toward it. Last evaluated 2024-09-17.

Conditions:
Maple syrup urine disease type 1A (MSUD1A). Also called: MSUD type 1A. Identifiers: MedGen C1855369, MONDO:0023691, OMIM 248600.
Maple syrup urine disease (MSUD). Identifiers: Orphanet 511, MedGen C0024776, MeSH D008375, MONDO:0009563. Disease mechanism: loss of function.

Allele frequency attached by ClinVar (database versions not stated): gnomAD exomes below 0.00001 and 0.00001; ExAC 0.00001; gnomAD 0.00001; TOPMed 0.00001.
gnomAD v4.1: 9 of 1,613,394 alleles (0.00056%); highest among the groups gnomAD compares: South Asian, 0.0022%; no homozygotes.

Submissions (3):

Natera, Inc.
Classification: Likely pathogenic for Maple syrup urine disease type 1A. Last evaluated: 2024-09-17. Review status: criteria provided, single submitter. Criteria: Natera Variant Classification Schema (03/2026). Collection method: clinical testing. Allele origin: germline.
Comment: The c.475C>T variant in BCKDHA is a missense variant predicted to cause substitution of arginine to tryptophan at amino acid 159. This variant is rare in the general population with a frequency below the threshold expected for the associated phenotype(s). This variant has been observed in one or more individuals affected with the associated recessive disease, as either homozygous or compound heterozygous with a second variant (PMID: 8161368). This variant has been identified in one or more affected individual with a phenotype highly consistent with the associated gene (PMID: 8161368). A different variant at the same position has been determined to be Pathogenic or Likely Pathogenic. Computational prediction algorithms indicate this variant is likely to affect gene or protein function. Given the available evidence, this variant is classified as Likely Pathogenic.

Labcorp Genetics (formerly Invitae), Labcorp
Classification: Pathogenic for Maple syrup urine disease. Last evaluated: 2024-02-03. Review status: criteria provided, single submitter. Criteria: Invitae Variant Classification Sherloc (09022015). Collection method: clinical testing. Allele origin: germline.
Comment: This sequence change replaces arginine, which is basic and polar, with tryptophan, which is neutral and slightly polar, at codon 159 of the BCKDHA protein (p.Arg159Trp). This variant is present in population databases (rs769688327, gnomAD 0.0009%). This missense change has been observed in individual(s) with maple syrup urine disease (PMID: 8161368, 28830848). This variant is also known as R114W. ClinVar contains an entry for this variant (Variation ID: 553759). Advanced modeling of protein sequence and biophysical properties (such as structural, functional, and spatial information, amino acid conservation, physicochemical variation, residue mobility, and thermodynamic stability) has been performed at Invitae for this missense variant, however the output from this modeling did not meet the statistical confidence thresholds required to predict the impact of this variant on BCKDHA protein function. Experimental studies have shown that this missense change affects BCKDHA function (PMID: 11069910). This variant disrupts the p.Arg159 amino acid residue in BCKDHA. Other variant(s) that disrupt this residue have been determined to be pathogenic (PMID: 26257134, 31980395). This suggests that this residue is clinically significant, and that variants that disrupt this residue are likely to be disease-causing. For these reasons, this variant has been classified as Pathogenic.

Counsyl
Classification: Uncertain significance for Maple syrup urine disease type 1A. Last evaluated: 2017-09-06. Review status: no assertion criteria provided. Collection method: clinical testing. Allele origin: unknown. Not counted in ClinVar's aggregate classification.

Literature cited by the submitters: PubMed 8161368 (cited by Natera, Inc. and Labcorp Genetics (formerly Invitae), Labcorp); PubMed 28830848 (cited by Labcorp Genetics (formerly Invitae), Labcorp); PubMed 11069910 (cited by Labcorp Genetics (formerly Invitae), Labcorp and Counsyl); PubMed 26257134 (cited by Labcorp Genetics (formerly Invitae), Labcorp); PubMed 31980395 (cited by Labcorp Genetics (formerly Invitae), Labcorp); PubMed 24772966 (cited by Counsyl); PubMed 17922217 (cited by Counsyl).

NM_000709.4(BCKDHA):c.475C>T (p.Arg159Trp)

Gene: BCKDHA (branched chain keto acid dehydrogenase E1 subunit alpha; plus strand). Cytogenetic location: 19q13.2.
Variant type: single nucleotide variant.
Coding change: c.475C>T on transcript NM_000709.4 (MANE Select); coding-DNA position 475, C replaced by T.
Protein change: p.Arg159Trp; replaces arginine 159 with tryptophan.
Molecular consequence: missense variant.
Genome position (GRCh38, 1-based): chr19:41,414,148, C>T. VCF-style: chr19-41414148-C-T. GRCh37 (hg19) VCF-style: chr19-41920053-C-T.
Other names: c.475C>T, p.Arg159Trp (NM_001164783.2); short protein forms R159W.
Identifiers: ClinVar variation 553759 (VCV000553759.11), dbSNP rs769688327, ClinGen allele CA9461152.